The following is an entry in ClinVar:

ClinVar aggregate classification (germline): Uncertain significance (1 of 4 stars; one submission).

Conditions:
Polyhydramnios, megalencephaly, and symptomatic epilepsy (PMSE). Also called: PMSE SYNDROME. Identifiers: Orphanet 500533, MedGen C1970203, MONDO:0012611, OMIM 611087.

Allele frequency attached by ClinVar (database versions not stated): gnomAD 0.00005; TOPMed 0.00007.
gnomAD v4.1: 10 of 1,608,774 alleles (0.00062%); highest among the groups gnomAD compares: Admixed American, 0.017%; no homozygotes.

Submission:

Labcorp Genetics (formerly Invitae), Labcorp
Classification: Uncertain significance for Polyhydramnios, megalencephaly, and symptomatic epilepsy. Last evaluated: 2022-08-15. Review status: criteria provided, single submitter. Criteria: Invitae Variant Classification Sherloc (09022015). Collection method: clinical testing. Allele origin: germline.
Comment: In summary, the available evidence is currently insufficient to determine the role of this variant in disease. Therefore, it has been classified as a Variant of Uncertain Significance. This sequence change replaces serine, which is neutral and polar, with alanine, which is neutral and non-polar, at codon 349 of the STRADA protein (p.Ser349Ala). This variant is present in population databases (no rsID available, gnomAD 0.009%). This variant has not been reported in the literature in individuals affected with STRADA-related conditions. Algorithms developed to predict the effect of missense changes on protein structure and function are either unavailable or do not agree on the potential impact of this missense change (SIFT: "Tolerated"; PolyPhen-2: "Probably Damaging"; Align-GVGD: "Class C0").

NM_001003787.4(STRADA):c.1045T>G (p.Ser349Ala)

Gene: STRADA (STE20 related adaptor alpha; minus strand). Cytogenetic location: 17q23.3.
Variant type: single nucleotide variant.
Coding change: c.1045T>G on transcript NM_001003787.4 (MANE Select); coding-DNA position 1045, T replaced by G.
Protein change: p.Ser349Ala; replaces serine 349 with alanine.
Molecular consequence: missense variant. On other transcripts: non-coding transcript variant (1), intron variant (6).
Genome position (GRCh38, 1-based): chr17:63,704,396, A>C on the plus strand (T>G on the coding strand, the complement: STRADA is on the minus strand). VCF-style: chr17-63704396-A-C. GRCh37 (hg19) VCF-style: chr17-61781756-A-C.
Other names: c.934T>G, p.Ser312Ala (NM_001003786.3, NM_153335.6); c.871T>G, p.Ser291Ala (NM_001003788.3); c.1021T>G, p.Ser341Ala (NM_001363786.1); c.958T>G, p.Ser320Ala (NM_001363787.1); c.*483T>G (NM_001411083.1, NM_001411084.1); c.*494T>G (NM_001411085.1); c.898+36T>G (NM_001363789.1); c.835+36T>G (NM_001363790.1, NM_001363791.1); and 3 more; short protein forms S291A, S312A, S320A, S349A, S341A.
Identifiers: ClinVar variation 2041380 (VCV002041380.4), dbSNP rs1387082356, ClinGen allele CA400587075.